The following is an entry in ClinVar:

ClinVar aggregate classification (germline): Benign/Likely benign. Review status: criteria provided, multiple submitters, no conflicts (2 of 4 stars). 3 submissions from 3 submitters: Benign (1); Likely benign (2). Last evaluated 2026-07-14.

Conditions:
Hereditary cancer-predisposing syndrome. Also called: Hereditary Cancer Syndrome; Hereditary neoplastic syndrome; Neoplastic Syndromes, Hereditary; Tumor predisposition. Identifiers: Orphanet 140162, MedGen C0027672, MeSH D009386, MONDO:0015356.
Rhabdoid tumor predisposition syndrome 2 (RTPS2). Identifiers: Orphanet 231108, Orphanet 69077, MedGen C2750074, MONDO:0013224, OMIM 613325.

Allele frequency attached by ClinVar (database versions not stated): gnomAD 0.00001; gnomAD exomes 0.00001; TOPMed 0.00001; ExAC 0.00001.
gnomAD v4.1: 4 of 1,614,060 alleles (0.00025%); highest among the groups gnomAD compares: Admixed American, 0.005%; no homozygotes.

Submissions (3):

Myriad Genetics, Inc.
Classification: Benign for Rhabdoid tumor predisposition syndrome 2. Last evaluated: 2026-07-14. Review status: criteria provided, single submitter. Criteria: Myriad Autosomal Dominant, Autosomal Recessive and X-Linked Classification Criteria (2023). Collection method: clinical testing. Allele origin: unknown.
Comment: This variant is considered benign. This variant is a silent/synonymous amino acid change and it is not expected to impact splicing.

Labcorp Genetics (formerly Invitae), Labcorp
Classification: Likely benign for Rhabdoid tumor predisposition syndrome 2. Last evaluated: 2026-01-31. Review status: criteria provided, single submitter. Criteria: Invitae Variant Classification Sherloc (09022015). Collection method: clinical testing. Allele origin: germline.

Ambry Genetics
Classification: Likely benign for Hereditary cancer-predisposing syndrome. Last evaluated: 2017-06-07. Review status: criteria provided, single submitter. Criteria: Ambry Variant Classification Scheme 2023. Collection method: clinical testing. Allele origin: germline.

NM_003072.5(SMARCA4):c.3330C>T (p.Thr1110=)

Gene: SMARCA4 (SWI/SNF related BAF chromatin remodeling complex subunit ATPase 4; plus strand). Cytogenetic location: 19p13.2.
Variant type: single nucleotide variant.
Coding change: c.3330C>T on transcript NM_003072.5 (MANE Select); coding-DNA position 3330, C replaced by T.
Protein change: p.Thr1110=; no amino-acid change (threonine 1110 retained).
Molecular consequence: synonymous variant. On other transcripts: non-coding transcript variant (1).
Genome position (GRCh38, 1-based): chr19:11,027,898, C>T. VCF-style: chr19-11027898-C-T. GRCh37 (hg19) VCF-style: chr19-11138574-C-T.
Other names: c.3330C>T, p.Thr1110= (NM_001128844.3, NM_001128845.2, NM_001128846.2 and 5 more transcripts).
Identifiers: ClinVar variation 415163 (VCV000415163.16), dbSNP rs758884930, ClinGen allele CA9204385.